The following is an entry in ClinVar:

ClinVar aggregate classification (germline): Uncertain significance (1 of 4 stars; one submission).

gnomAD v4.1: 2 of 1,613,600 alleles (0.00012%); highest among the groups gnomAD compares: Non-Finnish European, 0.000085%; no homozygotes.

Submission:

GeneDx
Classification: Uncertain significance. Last evaluated: 2024-12-20. Review status: criteria provided, single submitter. Criteria: GeneDx Variant Classification Process June 2021. Collection method: clinical testing. Allele origin: germline. Affected: yes.
Comment: Not observed at significant frequency in large population cohorts (gnomAD); In silico analysis indicates that this missense variant does not alter protein structure/function; Has not been previously published as pathogenic or benign to our knowledge

NM_006245.4(PPP2R5D):c.1570G>A (p.Ala524Thr)

Gene: PPP2R5D (protein phosphatase 2 regulatory subunit B'delta; plus strand). Cytogenetic location: 6p21.1.
Variant type: single nucleotide variant.
Coding change: c.1570G>A on transcript NM_006245.4 (MANE Select); coding-DNA position 1570, G replaced by A.
Protein change: p.Ala524Thr; replaces alanine 524 with threonine.
Molecular consequence: missense variant.
Genome position (GRCh38, 1-based): chr6:43,010,896, G>A. VCF-style: chr6-43010896-G-A. GRCh37 (hg19) VCF-style: chr6-42978634-G-A.
Other names: c.1117G>A, p.Ala373Thr (NM_001270476.2); c.1474G>A, p.Ala492Thr (NM_180976.3); c.1252G>A, p.Ala418Thr (NM_180977.3); short protein forms A373T, A418T, A492T, A524T.
Identifiers: ClinVar variation 1306800 (VCV001306800.3), dbSNP rs2150283624, ClinGen allele CA364142306.